The following is an entry in ClinVar:

ClinVar aggregate classification (germline): Uncertain significance (1 of 4 stars; one submission).

Submission:

Labcorp Genetics (formerly Invitae), Labcorp
Classification: Uncertain significance. Last evaluated: 2021-08-15. Review status: criteria provided, single submitter. Criteria: Invitae Variant Classification Sherloc (09022015). Collection method: clinical testing. Allele origin: germline.
Comment: This sequence change replaces lysine with arginine at codon 965 of the COL4A1 protein (p.Lys965Arg). The lysine residue is highly conserved and there is a small physicochemical difference between lysine and arginine. This variant is not present in population databases (ExAC no frequency). This variant has not been reported in the literature in individuals affected with COL4A1-related conditions. Advanced modeling of protein sequence and biophysical properties (such as structural, functional, and spatial information, amino acid conservation, physicochemical variation, residue mobility, and thermodynamic stability) performed at Invitae indicates that this missense variant is not expected to disrupt COL4A1 protein function. In summary, the available evidence is currently insufficient to determine the role of this variant in disease. Therefore, it has been classified as a Variant of Uncertain Significance.

NM_001845.6(COL4A1):c.2894A>G (p.Lys965Arg)

Gene: COL4A1 (collagen type IV alpha 1 chain; minus strand). Cytogenetic location: 13q34.
Variant type: single nucleotide variant.
Coding change: c.2894A>G on transcript NM_001845.6 (MANE Select); coding-DNA position 2894, A replaced by G.
Protein change: p.Lys965Arg; replaces lysine 965 with arginine.
Molecular consequence: missense variant.
Genome position (GRCh38, 1-based): chr13:110,176,700, T>C on the plus strand (A>G on the coding strand, the complement: COL4A1 is on the minus strand). VCF-style: chr13-110176700-T-C. GRCh37 (hg19) VCF-style: chr13-110829047-T-C.
Other names: short protein forms K965R.
Identifiers: ClinVar variation 1373771 (VCV001373771.6), dbSNP rs2139162743, ClinGen allele CA388666405.
Genomic context (GRCh38, chr13:110,176,700, plus strand): 5'-TGTCCTGCCTGCCCGTCCTTTCCAGGCACTCCTGGGGTCCCAGGGTCTCCTCGGGATCCC[T>C]TCTCACCAATTGGTCCAATTTGTCCTACACATCAGAGAAGAAAATAGCAATGACCCGCAT-3'
Protein context (NP_001836.3, residues 955-975): EKGQIGPIGE[Lys965Arg]GSRGDPGTPG